The following is an entry in ClinVar:

NM_001267550.2(TTN):c.100903C>T (p.Leu33635Phe)

Genes: TTN-AS1 (TTN antisense RNA 1; plus strand), TTN (titin; minus strand). Cytogenetic location: 2q31.2.
Variant type: single nucleotide variant.
Coding change: c.100903C>T on transcript NM_001267550.2 (MANE Select); coding-DNA position 100903, C replaced by T.
Protein change: p.Leu33635Phe; replaces leucine 33635 with phenylalanine.
Molecular consequence: missense variant.
Genome position (GRCh38, 1-based): chr2:178,535,712, G>A on the plus strand (C>T on the coding strand, the complement: TTN is on the minus strand). VCF-style: chr2-178535712-G-A. GRCh37 (hg19) VCF-style: chr2-179400439-G-A.
Other names: c.95980C>T, p.Leu31994Phe (NM_001256850.1); c.73708C>T, p.Leu24570Phe (NM_003319.4); c.93199C>T, p.Leu31067Phe (NM_133378.4); c.74083C>T, p.Leu24695Phe (NM_133432.3); c.74284C>T, p.Leu24762Phe (NM_133437.4); short protein forms L33635F, L24695F, L24762F, L31067F, L24570F, L31994F.
Identifiers: ClinVar variation 466689 (VCV000466689.7), dbSNP rs879048474, ClinGen allele CA60960353.

ClinVar aggregate classification (germline): Uncertain significance. Review status: criteria provided, multiple submitters, no conflicts (2 of 4 stars). 3 submissions from 3 submitters: Uncertain significance (3). Last evaluated 2024-07-17.

Conditions:
Autosomal recessive limb-girdle muscular dystrophy type 2J (LGMDR10). Also called: Limb-girdle muscular dystrophy, type 2J; MUSCULAR DYSTROPHY, LIMB-GIRDLE, AUTOSOMAL RECESSIVE 10. Identifiers: Orphanet 140922, MedGen C1837342, MONDO:0012127, OMIM 608807.
Dilated cardiomyopathy 1G (CMD1G). Identifiers: Orphanet 154, MedGen C1858763, MONDO:0011400, OMIM 604145.

Allele frequency attached by ClinVar (database versions not stated): gnomAD exomes below 0.00001 and 0.00001; gnomAD 0.00001; TOPMed 0.00003.
gnomAD v4.1: 7 of 1,613,660 alleles (0.00043%); highest among the groups gnomAD compares: African/African-American, 0.0013%; no homozygotes.

Submissions (3):

ARUP Laboratories, Molecular Genetics and Genomics, ARUP Laboratories
Classification: Uncertain significance. Last evaluated: 2024-07-17. Review status: criteria provided, single submitter. Criteria: ARUP Molecular Germline Variant Investigation Process 2024. Collection method: clinical testing. Allele origin: germline.
Comment: The TTN c.100903C>T; p.Leu33635Phe variant (rs879048474; ClinVar Variation ID: 466689) is rare in the general population (<0.2% allele frequency in the Genome Aggregation Database v2.1.1) and has not been reported in the medical literature in association with dilated cardiomyopathy (DCM) or other TTN-related disease. The clinical relevance of rare missense variants in this gene, which are identified on average once per individual sequenced in affected populations (Herman 2012), is not well understood. Yet, evidence suggests that the vast majority of such missense variants do not contribute to the clinical outcome of DCM (Begay 2015). Thus, the clinical significance of the p.Leu33635Phe variant cannot be determined with certainty. References: Begay RL et al. Role of Titin Missense Variants in Dilated Cardiomyopathy. J Am Heart Assoc. 2015 Nov 13;4(11). PMID: 26567375. Herman DS et al. Truncations of titin causing dilated cardiomyopathy. N Engl J Med. 2012 Feb 16;366(7):619-28. PMID: 22335739.

Revvity Omics, Revvity
Classification: Uncertain significance. Last evaluated: 2023-02-05. Review status: criteria provided, single submitter. Criteria: ACMG Guidelines, 2015. Collection method: clinical testing. Allele origin: germline.

Labcorp Genetics (formerly Invitae), Labcorp
Classification: Uncertain significance for Dilated cardiomyopathy 1G; Autosomal recessive limb-girdle muscular dystrophy type 2J. Last evaluated: 2017-05-03. Review status: criteria provided, single submitter. Criteria: Invitae Variant Classification Sherloc (09022015). Collection method: clinical testing. Allele origin: germline.